The following is an entry in ClinVar:

ClinVar aggregate classification (germline): Likely benign (1 of 4 stars; one submission).

Conditions:
BDP1-related disorder. Also called: BDP1-related condition.

gnomAD v4.1: 12 of 1,612,478 alleles (0.00074%); highest among the groups gnomAD compares: Non-Finnish European, 0.001%; no homozygotes.

Submission:

PreventionGenetics, part of Exact Sciences
Classification: Likely benign for BDP1-related condition. Last evaluated: 2026-07-23. Review status: criteria provided, single submitter. Criteria: ACMG Guidelines, 2015. Collection method: clinical testing. Allele origin: germline.
Comment: This variant is classified as likely benign based on ACMG/AMP sequence variant interpretation guidelines (Richards et al. 2015 PMID: 25741868, with internal and published modifications).

NM_018429.3(BDP1):c.3297C>G (p.Ser1099=)

Gene: BDP1 (BDP1 general transcription factor IIIB subunit; plus strand). Cytogenetic location: 5q13.2.
Variant type: single nucleotide variant.
Coding change: c.3297C>G on transcript NM_018429.3 (MANE Select); coding-DNA position 3297, C replaced by G.
Protein change: p.Ser1099=; no amino-acid change (serine 1099 retained).
Molecular consequence: synonymous variant.
Genome position (GRCh38, 1-based): chr5:71,510,389, C>G. VCF-style: chr5-71510389-C-G. GRCh37 (hg19) VCF-style: chr5-70806216-C-G.
Identifiers: ClinVar variation 4988826 (VCV004988826.1).